The following is an entry in ClinVar:

NM_004260.4(RECQL4):c.1133C>G (p.Ala378Gly)

Gene: RECQL4 (RecQ like helicase 4; minus strand). Cytogenetic location: 8q24.3.
Variant type: single nucleotide variant.
Coding change: c.1133C>G on transcript NM_004260.4 (MANE Select); coding-DNA position 1133, C replaced by G.
Protein change: p.Ala378Gly; replaces alanine 378 with glycine.
Molecular consequence: missense variant. On other transcripts: non-coding transcript variant (3), intron variant (1), 5 prime UTR variant (5).
Genome position (GRCh38, 1-based): chr8:144,515,889, G>C on the plus strand (C>G on the coding strand, the complement: RECQL4 is on the minus strand). VCF-style: chr8-144515889-G-C. GRCh37 (hg19) VCF-style: chr8-145741273-G-C.
Other names: c.-210+99C>G (NM_001413043.1); c.1037C>G, p.Ala346Gly (NM_001413017.1, NM_001413020.1); c.1133C>G, p.Ala378Gly (NM_001413018.1, NM_001413019.1, NM_001413033.1 and 2 more transcripts); c.62C>G, p.Ala21Gly (NM_001413021.1, NM_001413022.1, NM_001413023.1 and 8 more transcripts); c.1004C>G, p.Ala335Gly (NM_001413025.1); c.-1C>G (NM_001413027.1, NM_001413030.1, NM_001413031.1 and 2 more transcripts); c.782C>G, p.Ala261Gly (NM_001413029.1); short protein forms A346G, A378G, A21G, A261G, A335G.
Identifiers: ClinVar variation 4844362 (VCV004844362.1).

ClinVar aggregate classification (germline): Uncertain significance (1 of 4 stars; one submission).

Conditions:
Inborn genetic diseases. Identifiers: MedGen C0950123, MeSH D030342.

Submission:

Ambry Genetics
Classification: Uncertain significance for Inborn genetic diseases. Last evaluated: 2026-02-16. Review status: criteria provided, single submitter. Criteria: Ambry Variant Classification Scheme 2023. Collection method: clinical testing. Allele origin: germline.
Comment: The p.A378G variant (also known as c.1133C>G), located in coding exon 6 of the RECQL4 gene, results from a C to G substitution at nucleotide position 1133. The alanine at codon 378 is replaced by glycine, an amino acid with similar properties. This amino acid position is conserved. In addition, this alteration is predicted to be tolerated by in silico analysis. Based on the available evidence, the clinical significance of this variant remains unclear.